The following is an entry in ClinVar:

NM_001267550.2(TTN):c.57008C>A (p.Ser19003Ter)

Genes: TTN-AS1 (TTN antisense RNA 1; plus strand), TTN (titin; minus strand). Cytogenetic location: 2q31.2.
Variant type: single nucleotide variant.
Coding change: c.57008C>A on transcript NM_001267550.2 (MANE Select); coding-DNA position 57008, C replaced by A.
Protein change: p.Ser19003Ter; replaces serine 19003 with a stop codon.
Molecular consequence: nonsense. On other transcripts: non-coding transcript variant (1).
Genome position (GRCh38, 1-based): chr2:178,598,609, G>T on the plus strand (C>A on the coding strand, the complement: TTN is on the minus strand). VCF-style: chr2-178598609-G-T. GRCh37 (hg19) VCF-style: chr2-179463336-G-T.
Other names: c.29813C>A, p.Ser9938Ter (NM_003319.4); c.49304C>A, p.Ser16435Ter (NM_133378.4); c.52085C>A, p.Ser17362Ter (NM_001256850.1); c.30188C>A, p.Ser10063Ter (NM_133432.3); c.30389C>A, p.Ser10130Ter (NM_133437.4); short protein forms S19003*, S16435*, S10130*, S17362*, S9938*, S10063*.
Identifiers: ClinVar variation 238805 (VCV000238805.11), dbSNP rs878854318, ClinGen allele CA10581861.

ClinVar aggregate classification (germline): Likely pathogenic (1 of 4 stars; one submission).

Conditions:
Autosomal recessive limb-girdle muscular dystrophy type 2J (LGMDR10). Also called: Limb-girdle muscular dystrophy, type 2J; MUSCULAR DYSTROPHY, LIMB-GIRDLE, AUTOSOMAL RECESSIVE 10. Identifiers: Orphanet 140922, MedGen C1837342, MONDO:0012127, OMIM 608807.
Dilated cardiomyopathy 1G (CMD1G). Identifiers: Orphanet 154, MedGen C1858763, MONDO:0011400, OMIM 604145.

Submission:

Labcorp Genetics (formerly Invitae), Labcorp
Classification: Likely pathogenic for Dilated cardiomyopathy 1G; Autosomal recessive limb-girdle muscular dystrophy type 2J. Last evaluated: 2025-02-02. Review status: criteria provided, single submitter. Criteria: Invitae Variant Classification Sherloc (09022015). Collection method: clinical testing. Allele origin: germline.
Comment: This sequence change creates a premature translational stop signal (p.Ser19003*) in the TTN gene. While this is not anticipated to result in nonsense mediated decay, it is expected to create a truncated TTN protein. This variant is not present in population databases (gnomAD no frequency). This variant has not been reported in the literature in individuals affected with TTN-related conditions. ClinVar contains an entry for this variant (Variation ID: 238805). This variant is located in the A band of TTN (PMID: 25589632). Truncating variants in this region are significantly overrepresented in patients affected with dilated cardiomyopathy (PMID: 25589632). Truncating variants in this region have also been reported in individuals affected with autosomal recessive centronuclear myopathy (PMID: 23975875). In summary, the currently available evidence indicates that the variant is pathogenic, but additional data are needed to prove that conclusively. Therefore, this variant has been classified as Likely Pathogenic.

Literature cited by the submitters: PubMed 25589632; PubMed 23975875.